The following is an entry in ClinVar:

ClinVar aggregate classification (germline): Uncertain significance (1 of 4 stars; one submission).

Conditions:
Myofibrillar myopathy 4. Also called: Zaspopathy (type). Identifiers: Orphanet 98912, MedGen C4721886, MONDO:0012277, OMIM 609452.

Submission:

Labcorp Genetics (formerly Invitae), Labcorp
Classification: Uncertain significance for Myofibrillar myopathy 4. Last evaluated: 2025-11-06. Review status: criteria provided, single submitter. Criteria: Invitae Variant Classification Sherloc (09022015). Collection method: clinical testing. Allele origin: germline.
Comment: This sequence change falls in intron 2 of the LDB3 gene. It does not directly change the encoded amino acid sequence of the LDB3 protein. This variant is not present in population databases (gnomAD no frequency). This variant has not been reported in the literature in individuals affected with LDB3-related conditions. Algorithms developed to predict the effect of sequence changes on RNA splicing suggest that this variant may create or strengthen a splice site. In summary, the available evidence is currently insufficient to determine the role of this variant in disease. Therefore, it has been classified as a Variant of Uncertain Significance.

NM_007078.3(LDB3):c.246-16T>C

Gene: LDB3 (LIM domain binding 3; plus strand). Cytogenetic location: 10q23.2.
Variant type: single nucleotide variant.
Coding change: c.246-16T>C on transcript NM_007078.3 (MANE Select); 16 bases into the intron before coding-DNA position 246, T replaced by C.
Molecular consequence: intron variant.
Genome position (GRCh38, 1-based): chr10:86,680,066, T>C. VCF-style: chr10-86680066-T-C. GRCh37 (hg19) VCF-style: chr10-88439823-T-C.
Other names: c.246-16T>C (NM_001171611.2, NM_001080115.2, NM_001368067.1 and 8 more transcripts).
Identifiers: ClinVar variation 4730671 (VCV004730671.1).
Genomic context (GRCh38, chr10:86,680,066, plus strand): 5'-CACCAGCCCTGCCCAGGCAGGAGCTTCTGGCCCCAGGGGCAACTTCCTCACCTGGTCTCA[T>C]TTCTGGTTTCTACAGATCAAAGCGTCCCATTCCCATCTCCACGACAGCACCTCCAGTCCA-3'